The following is an entry in ClinVar:

ClinVar aggregate classification (germline): Uncertain significance (1 of 4 stars; one submission).

Conditions:
Cardiovascular phenotype. Identifiers: MedGen CN230736.
Hereditary cancer-predisposing syndrome. Also called: Hereditary Cancer Syndrome; Hereditary neoplastic syndrome; Neoplastic Syndromes, Hereditary; Tumor predisposition. Identifiers: Orphanet 140162, MedGen C0027672, MeSH D009386, MONDO:0015356.

Submission:

Ambry Genetics
Classification: Uncertain significance for Cardiovascular phenotype; Hereditary cancer-predisposing syndrome. Last evaluated: 2021-07-14. Review status: criteria provided, single submitter. Criteria: Ambry Variant Classification Scheme 2023. Collection method: clinical testing. Allele origin: germline.
Comment: The p.N1504S variant (also known as c.4511A>G), located in coding exon 33 of the NF1 gene, results from an A to G substitution at nucleotide position 4511. The asparagine at codon 1504 is replaced by serine, an amino acid with highly similar properties. This alteration was observed with an allele frequency of 0.0000 in 7,051 unselected female breast cancer patients and was observed with an allele frequency of 0.00009 in 11,241 female controls of Japanese ancestry (Momozawa Y et al. Nat Commun, 2018 10;9:4083). This amino acid position is highly conserved in available vertebrate species. In addition, this alteration is predicted to be tolerated by in silico analysis. Since supporting evidence is limited at this time, the clinical significance of this alteration remains unclear.

NM_001042492.3(NF1):c.4574A>G (p.Asn1525Ser)

Gene: NF1 (neurofibromin 1; plus strand). Cytogenetic location: 17q11.2.
Variant type: single nucleotide variant.
Coding change: c.4574A>G on transcript NM_001042492.3 (MANE Select); coding-DNA position 4574, A replaced by G.
Protein change: p.Asn1525Ser; replaces asparagine 1525 with serine.
Molecular consequence: missense variant.
Genome position (GRCh38, 1-based): chr17:31,260,512, A>G. VCF-style: chr17-31260512-A-G. GRCh37 (hg19) VCF-style: chr17-29587530-A-G.
Other names: c.4511A>G, p.Asn1504Ser (NM_000267.4); short protein forms N1525S, N1504S.
Identifiers: ClinVar variation 1741127 (VCV001741127.2), dbSNP rs2151464872, ClinGen allele CA398999972.